The following is an entry in ClinVar:

ClinVar aggregate classification (germline): Uncertain significance (1 of 4 stars; one submission).

gnomAD v4.1: 1 of 1,209,619 alleles (0.000083%); highest among the groups gnomAD compares: African/African-American, 0.0018%; no homozygotes.

Submission:

GeneDx
Classification: Uncertain significance. Last evaluated: 2025-03-21. Review status: criteria provided, single submitter. Criteria: GeneDx Variant Classification Process June 2021. Collection method: clinical testing. Allele origin: germline. Affected: yes.
Comment: Not observed at significant frequency in large population cohorts (gnomAD); In silico analysis supports that this missense variant has a deleterious effect on protein structure/function; Has not been previously published as pathogenic or benign to our knowledge

NM_004606.5(TAF1):c.1878T>G (p.Phe626Leu)

Gene: TAF1 (TATA-box binding protein associated factor 1; plus strand). Cytogenetic location: Xq13.1.
Variant type: single nucleotide variant.
Coding change: c.1878T>G on transcript NM_004606.5 (MANE Select); coding-DNA position 1878, T replaced by G.
Protein change: p.Phe626Leu; replaces phenylalanine 626 with leucine.
Molecular consequence: missense variant. On other transcripts: non-coding transcript variant (9).
Genome position (GRCh38, 1-based): chrX:71,383,095, T>G. VCF-style: chrX-71383095-T-G. GRCh37 (hg19) VCF-style: chrX-70602945-T-G.
Other names: c.1878T>G, p.Phe626Leu (NM_001286074.2, NM_001440852.1, NM_001440853.1); c.1815T>G, p.Phe605Leu (NM_001440854.1, NM_138923.4); short protein forms F605L, F626L.
Identifiers: ClinVar variation 4086388 (VCV004086388.1).